The following is an entry in ClinVar:

NM_024642.5(GALNT12):c.424A>G (p.Ile142Val)

Gene: GALNT12 (polypeptide N-acetylgalactosaminyltransferase 12; plus strand). Cytogenetic location: 9q22.33.
Variant type: single nucleotide variant.
Coding change: c.424A>G on transcript NM_024642.5 (MANE Select); coding-DNA position 424, A replaced by G.
Protein change: p.Ile142Val; replaces isoleucine 142 with valine.
Molecular consequence: missense variant.
Genome position (GRCh38, 1-based): chr9:98,823,308, A>G. VCF-style: chr9-98823308-A-G. GRCh37 (hg19) VCF-style: chr9-101585590-A-G.
Other names: short protein forms I142V.
Identifiers: ClinVar variation 1053693 (VCV001053693.12), dbSNP rs1477259561, ClinGen allele CA374216646.

ClinVar aggregate classification (germline): Uncertain significance. Review status: criteria provided, multiple submitters, no conflicts (2 of 4 stars). 2 submissions from 2 submitters: Uncertain significance (2). Last evaluated 2024-04-24.

Allele frequency attached by ClinVar (database versions not stated): gnomAD exomes below 0.00001.
gnomAD v4.1: 2 of 1,614,148 alleles (0.00012%); highest among the groups gnomAD compares: Non-Finnish European, 0.00017%; no homozygotes.

Submissions (2):

Ambry Genetics
Classification: Uncertain significance. Last evaluated: 2024-04-24. Review status: criteria provided, single submitter. Criteria: Ambry Variant Classification Scheme 2023. Collection method: clinical testing. Allele origin: germline.
Comment: The p.I142V variant (also known as c.424A>G), located in coding exon 2 of the GALNT12 gene, results from an A to G substitution at nucleotide position 424. The isoleucine at codon 142 is replaced by valine, an amino acid with highly similar properties. This amino acid position is conserved. In addition, the in silico prediction for this alteration is inconclusive. Since supporting evidence is limited at this time, the clinical significance of this alteration remains unclear.

Labcorp Genetics (formerly Invitae), Labcorp
Classification: Uncertain significance. Last evaluated: 2017-03-23. Review status: criteria provided, single submitter. Criteria: Invitae Variant Classification Sherloc (09022015). Collection method: clinical testing. Allele origin: germline.
Comment: In summary, this variant is a novel missense change with uncertain impact on protein function. It has been classified as a Variant of Uncertain Significance. Algorithms developed to predict the effect of missense changes on protein structure and function do not agree on the potential impact of this missense change (SIFT: "Deleterious"; PolyPhen-2: "Possibly Damaging"; Align-GVGD: "Class C0"). This variant is not present in population databases (ExAC no frequency) and has not been reported in the literature in individuals with a GALNT12-related disease. This sequence change replaces isoleucine with valine at codon 142 of the GALNT12 protein (p.Ile142Val). The isoleucine residue is highly conserved and there is a small physicochemical difference between isoleucine and valine.